The following is an entry in ClinVar:

GRCh37/hg19 15q26.2-26.3(chr15:96873212-102389423)

Genes: ADAMTS17 (ADAM metallopeptidase with thrombospondin type 1 motif 17; minus strand), ALDH1A3 (aldehyde dehydrogenase 1 family member A3; plus strand), ARRDC4 (arrestin domain containing 4; plus strand), ASB7 (ankyrin repeat and SOCS box containing 7; plus strand), CERS3 (ceramide synthase 3; minus strand) and 19 more. Cytogenetic location: 15q26.2-26.3.
Variant type: copy number loss.
Identifiers: ClinVar variation 625753 (VCV000625753.1).

ClinVar aggregate classification (germline): Pathogenic (1 of 4 stars; one submission).

Submission:

Baylor Genetics
Classification: Pathogenic. Last evaluated: 2018-11-01. Review status: criteria provided, single submitter. Criteria: ACMG CNV Guidelines, 2011. Collection method: clinical testing. Allele origin: germline. Observed: 1 variant allele.